The following is an entry in ClinVar:

NM_001369.3(DNAH5):c.971T>C (p.Leu324Pro)

Gene: DNAH5 (dynein axonemal heavy chain 5; minus strand). Cytogenetic location: 5p15.2.
Variant type: single nucleotide variant.
Coding change: c.971T>C on transcript NM_001369.3 (MANE Select); coding-DNA position 971, T replaced by C.
Protein change: p.Leu324Pro; replaces leucine 324 with proline.
Molecular consequence: missense variant.
Genome position (GRCh38, 1-based): chr5:13,919,180, A>G on the plus strand (T>C on the coding strand, the complement: DNAH5 is on the minus strand). VCF-style: chr5-13919180-A-G. GRCh37 (hg19) VCF-style: chr5-13919289-A-G.
Other names: short protein forms L324P.
Identifiers: ClinVar variation 1985156 (VCV001985156.25), dbSNP rs138034431, ClinGen allele CA3205023.

ClinVar aggregate classification (germline): Conflicting classifications of pathogenicity. Review status: criteria provided, conflicting classifications (1 of 4 stars). 3 submissions from 3 submitters: Uncertain significance (2); Likely benign (1). Last evaluated 2024-04-01.

Conditions:
Primary ciliary dyskinesia. Also called: Ciliary dyskinesia. Identifiers: Orphanet 244, MedGen C0008780, MONDO:0016575, HP:0012265.
Primary ciliary dyskinesia 3. Identifiers: Orphanet 244, MedGen C1837618, MONDO:0012085, OMIM 608644.

Allele frequency attached by ClinVar (database versions not stated): TOPMed 0.00005; gnomAD exomes 0.00009; ExAC 0.00016; gnomAD 0.00029.
gnomAD v4.1: 172 of 1,613,876 alleles (0.011%); highest among the groups gnomAD compares: Middle Eastern, 0.016%; no homozygotes.

Submissions (3):

CeGaT Center for Human Genetics Tuebingen
Classification: Uncertain significance. Last evaluated: 2024-04-01. Review status: criteria provided, single submitter. Criteria: CeGaT Center For Human Genetics Tuebingen Variant Classification Criteria Version 2. Collection method: clinical testing. Allele origin: germline. Affected: yes. Observed: 1 variant allele.

Labcorp Genetics (formerly Invitae), Labcorp
Classification: Likely benign for Primary ciliary dyskinesia. Last evaluated: 2024-03-10. Review status: criteria provided, single submitter. Criteria: Invitae Variant Classification Sherloc (09022015). Collection method: clinical testing. Allele origin: germline.

Juno Genomics, Hangzhou Juno Genomics, Inc
Classification: Uncertain significance for Primary ciliary dyskinesia 3. Review status: criteria provided, single submitter. Criteria: ACMG Guidelines, 2015. Collection method: clinical testing. Allele origin: germline.
Comment: Absent from controls (or at extremely low frequency if recessive) in Genome Aggregation Database.;Multiple lines of computational evidence support a deleterious effect on the gene or gene product.